The following is an entry in ClinVar:

ClinVar aggregate classification (germline): Uncertain significance (1 of 4 stars; one submission).

Conditions:
Spinocerebellar ataxia 42, early-onset, severe, with neurodevelopmental deficits. Identifiers: MedGen C4748120, MONDO:0060758, OMIM 618087.

Submission:

Victorian Clinical Genetics Services, Murdoch Childrens Research Institute
Classification: Uncertain significance for Spinocerebellar ataxia 42, early-onset, severe, with neurodevelopmental deficits. Last evaluated: 2023-07-17. Review status: criteria provided, single submitter. Criteria: ACMG Guidelines, 2015. Collection method: clinical testing. Allele origin: germline. Inheritance: Autosomal dominant inheritance. Affected: yes.
Comment: Based on the classification scheme VCGS_Germline_v1.3.4, this variant is classified as VUS-3B. Following criteria are met: 0101 - Gain of function is a mechanism of disease in this gene and is associated with developmental delay with early onset epileptic encephalopathy (PMID: 32878331, PMID: 32736238). Loss of function has been suggested for spinocerebellar ataxia 42 (MIM#616795) and severe, early-onset spinocerebellar ataxia 42, with neurodevelopmental deficits (MIM#618087); however, evidence demonstrating this is currently limited (PMID: 29878067). (I) 0107 - This gene is associated with autosomal dominant disease. (I) 0213 - In-frame deletion in a non-repetitive region that has high conservation. (SP) 0251 - This variant is heterozygous. (I) 0301 - Variant is absent from gnomAD (both v2 and v3). (SP) 0600 - Variant affects a single amino acid within the annotated ion transporter domain (DECIPHER). (I) 0705 - No comparable inframe variants have previous evidence for pathogenicity. (I) 0807 - This variant has no previous evidence of pathogenicity. (I) 0905 - No published segregation evidence has been identified for this variant. (I) 1007 - No published functional evidence has been identified for this variant. (I) 1208 - Inheritance information for this variant is not currently available in this individual. (I) Legend: (SP) - Supporting pathogenic, (I) - Information, (SB) - Supporting benign

Literature cited by the submitters: PubMed 29878067; PubMed 32736238; PubMed 32878331.

NM_018896.5(CACNA1G):c.5582_5590del (p.Ala1861_Glu1863del)

Gene: CACNA1G (calcium voltage-gated channel subunit alpha1 G; plus strand). Cytogenetic location: 17q21.33.
Variant type: Deletion.
Coding change: c.5582_5590del on transcript NM_018896.5 (MANE Select); coding-DNA positions 5582 to 5590, 9 bases deleted (CCAAGGAGG; older notation c.5582_5590delCCAAGGAGG).
Protein change: p.Ala1861_Glu1863del.
Molecular consequence: inframe deletion. On other transcripts: non-coding transcript variant (5).
Genome position (GRCh38, 1-based): chr17:50,618,809-50,618,817, CCAAGGAGG deleted; deleting any 9 consecutive bases within chr17:50,618,801-50,618,817 gives the same sequence; the c. name uses the placement nearest the transcript's 3' end. VCF-style (leftmost placement, unchanged base first): chr17-50618800-ACAAGGAGGC-A. GRCh37 (hg19) VCF-style: chr17-48696161-ACAAGGAGGC-A.
Other names: c.5528_5536del, p.Ala1843_Glu1845del (NM_001256324.2, NM_198386.3); c.5603_5611del, p.Ala1868_Glu1870del (NM_001256325.2); c.5447_5455del, p.Ala1816_Glu1818del (NM_001256326.2, NM_001256330.2); c.5561_5569del, p.Ala1854_Glu1856del (NM_001256327.2); c.5507_5515del, p.Ala1836_Glu1838del (NM_001256328.2); c.5480_5488del, p.Ala1827_Glu1829del (NM_001256329.2, NM_198376.3, NM_198379.3 and 2 more transcripts); c.5426_5434del, p.Ala1809_Glu1811del (NM_001256331.2); c.5411_5419del, p.Ala1804_Glu1806del (NM_001256332.2); and 7 more.
Identifiers: ClinVar variation 3254658 (VCV003254658.1), dbSNP rs2051097359.